The following is an entry in ClinVar:

NM_020708.5(SLC12A5):c.613G>A (p.Ala205Thr)

Gene: SLC12A5 (solute carrier family 12 member 5; plus strand). Cytogenetic location: 20q13.12.
Variant type: single nucleotide variant.
Coding change: c.613G>A on transcript NM_020708.5 (MANE Select); coding-DNA position 613, G replaced by A.
Protein change: p.Ala205Thr; replaces alanine 205 with threonine.
Molecular consequence: missense variant.
Genome position (GRCh38, 1-based): chr20:46,040,373, G>A. VCF-style: chr20-46040373-G-A. GRCh37 (hg19) VCF-style: chr20-44669012-G-A.
Other names: c.682G>A, p.Ala228Thr (NM_001134771.2); short protein forms A205T, A228T.
Identifiers: ClinVar variation 962158 (VCV000962158.10), dbSNP rs2084534894, ClinGen allele CA409189550.

ClinVar aggregate classification (germline): Uncertain significance (1 of 4 stars; one submission).

Conditions:
Developmental and epileptic encephalopathy, 34 (DEE34). Also called: Early infantile epileptic encephalopathy 34; SLC12A5-Related Epilepsy of Infancy with Migrating Focal Seizures. Identifiers: Orphanet 293181, MedGen C4225257, MONDO:0014718, OMIM 616645.

Submission:

Labcorp Genetics (formerly Invitae), Labcorp
Classification: Uncertain significance for Developmental and epileptic encephalopathy, 34. Last evaluated: 2022-06-03. Review status: criteria provided, single submitter. Criteria: Invitae Variant Classification Sherloc (09022015). Collection method: clinical testing. Allele origin: germline.
Comment: ClinVar contains an entry for this variant (Variation ID: 962158). In summary, the available evidence is currently insufficient to determine the role of this variant in disease. Therefore, it has been classified as a Variant of Uncertain Significance. Algorithms developed to predict the effect of missense changes on protein structure and function (SIFT, PolyPhen-2, Align-GVGD) all suggest that this variant is likely to be tolerated. This variant has not been reported in the literature in individuals affected with SLC12A5-related conditions. This variant is not present in population databases (gnomAD no frequency). This sequence change replaces alanine, which is neutral and non-polar, with threonine, which is neutral and polar, at codon 205 of the SLC12A5 protein (p.Ala205Thr).